The following is an entry in ClinVar:

NM_152783.5(D2HGDH):c.893C>T (p.Thr298Ile)

Gene: D2HGDH (D-2-hydroxyglutarate dehydrogenase; plus strand). Cytogenetic location: 2q37.3.
Variant type: single nucleotide variant.
Coding change: c.893C>T on transcript NM_152783.5 (MANE Select); coding-DNA position 893, C replaced by T.
Protein change: p.Thr298Ile; replaces threonine 298 with isoleucine.
Molecular consequence: missense variant.
Genome position (GRCh38, 1-based): chr2:241,750,190, C>T. VCF-style: chr2-241750190-C-T. GRCh37 (hg19) VCF-style: chr2-242689605-C-T.
Other names: c.491C>T, p.Thr164Ile (NM_001287249.2); c.332C>T, p.Thr111Ile (NM_001352824.2); short protein forms T298I, T111I, T164I.
Identifiers: ClinVar variation 335315 (VCV000335315.15), dbSNP rs141475702, ClinGen allele CA2221837.

ClinVar aggregate classification (germline): Conflicting classifications of pathogenicity. Review status: criteria provided, conflicting classifications (1 of 4 stars). 4 submissions from 4 submitters: Uncertain significance (2); Likely benign (2). Last evaluated 2025-08-18.

Conditions:
D-2-hydroxyglutaric aciduria 1 (D2HGA1). Identifiers: Orphanet 79315, MedGen C3152055, MONDO:0024554, OMIM 600721.
Inborn genetic diseases. Identifiers: MedGen C0950123, MeSH D030342.

Allele frequency attached by ClinVar (database versions not stated): ExAC 0.00017; gnomAD 0.00029 and 0.00031; TOPMed 0.00031; ESP Exome Variant Server 0.00046; 1000 Genomes Project 30x 0.00047; 1000 Genomes Project 0.00060.
gnomAD v4.1: 140 of 1,614,100 alleles (0.0087%); highest among the groups gnomAD compares: East Asian, 0.13%; 1 homozygote.

Submissions (4):

Labcorp Genetics (formerly Invitae), Labcorp
Classification: Likely benign for D-2-hydroxyglutaric aciduria 1. Last evaluated: 2025-08-18. Review status: criteria provided, single submitter. Criteria: Invitae Variant Classification Sherloc (09022015). Collection method: clinical testing. Allele origin: germline.

University of Washington Department of Laboratory Medicine, University of Washington
Classification: Uncertain significance for D-2-hydroxyglutaric aciduria 1. Last evaluated: 2023-03-15. Review status: criteria provided, single submitter. Criteria: ACMG Guidelines, 2015. Collection method: clinical testing. Allele origin: biparental. Affected: yes.
Comment: This variant has been submitted to ClinVar (Variation ID: 335315,, VCV000335315.13) and has been identified in 46/19950 chromosomes in the East Asian population by the Genome Aggregation Database; however, this variant has not been observed in the homozygous state. This allele frequency is greater than would be expected to be disease-causing for D-2-hydroxyglutaric aciduria. In silico tools predict that the p.Thr298Ile variant does not impact protein function; however, these predictions have not been tested directly. This variant was classified as a variant of uncertain significance (ACMG evidence codes used: BS1, PM3_supporting, BP4). Biochemical studies have the potential to clarify the functional consequence of this variant.

Ambry Genetics
Classification: Likely benign for Inborn genetic diseases. Last evaluated: 2021-06-17. Review status: criteria provided, single submitter. Criteria: Ambry Variant Classification Scheme 2023. Collection method: clinical testing. Allele origin: germline.

Illumina Laboratory Services, Illumina
Classification: Uncertain significance for D-2-hydroxyglutaric aciduria 1. Last evaluated: 2018-01-13. Review status: criteria provided, single submitter. Criteria: ICSL Variant Classification Criteria 13 December 2019. Collection method: clinical testing. Allele origin: germline.